The following is an entry in ClinVar:

ClinVar aggregate classification (germline): Uncertain significance. Review status: criteria provided, multiple submitters, no conflicts (2 of 4 stars). 2 submissions from 2 submitters: Uncertain significance (2). Last evaluated 2024-03-24.

Conditions:
Hyperaldosteronism, familial, type IV (HALD4). Also called: FH IV; ALDOSTERONISM, PRIMARY, AND HYPERTENSION. Identifiers: Orphanet 642671, MedGen C4310756, MONDO:0014875, OMIM 617027.
Idiopathic generalized epilepsy. Also called: Generalised epilepsy; EIG. Identifiers: MedGen C0270850, MONDO:0005579, OMIM 600669.
Epilepsy, childhood absence, susceptibility to, 6. Identifiers: Orphanet 64280, MedGen C2749872, MONDO:0012763, OMIM 611942.

Allele frequency attached by ClinVar (database versions not stated): gnomAD 0.00001; gnomAD exomes 0.00001; TOPMed 0.00002.
gnomAD v4.1: 18 of 1,601,728 alleles (0.0011%); highest among the groups gnomAD compares: East Asian, 0.0089%; no homozygotes.

Submissions (2):

Fulgent Genetics
Classification: Uncertain significance for Epilepsy, childhood absence, susceptibility to, 6; Hyperaldosteronism, familial, type IV. Last evaluated: 2024-03-24. Review status: criteria provided, single submitter. Criteria: ACMG Guidelines, 2015. Collection method: clinical testing. Allele origin: germline.

Labcorp Genetics (formerly Invitae), Labcorp
Classification: Uncertain significance for Idiopathic generalized epilepsy; Hyperaldosteronism, familial, type IV. Last evaluated: 2022-07-12. Review status: criteria provided, single submitter. Criteria: Invitae Variant Classification Sherloc (09022015). Collection method: clinical testing. Allele origin: germline.
Comment: In summary, the available evidence is currently insufficient to determine the role of this variant in disease. Therefore, it has been classified as a Variant of Uncertain Significance. Variants that disrupt the consensus splice site are a relatively common cause of aberrant splicing (PMID: 17576681, 9536098). Algorithms developed to predict the effect of sequence changes on RNA splicing suggest that this variant is not likely to affect RNA splicing. ClinVar contains an entry for this variant (Variation ID: 1397208). This variant has not been reported in the literature in individuals affected with CACNA1H-related conditions. This variant is present in population databases (no rsID available, gnomAD 0.01%). This sequence change falls in intron 20 of the CACNA1H gene. It does not directly change the encoded amino acid sequence of the CACNA1H protein. It affects a nucleotide within the consensus splice site.

Literature cited by the submitters: PubMed 17576681 (cited by Labcorp Genetics (formerly Invitae), Labcorp); PubMed 9536098 (cited by Labcorp Genetics (formerly Invitae), Labcorp).

NM_021098.3(CACNA1H):c.4038+4C>T

Gene: CACNA1H (calcium voltage-gated channel subunit alpha1 H; plus strand). Cytogenetic location: 16p13.3.
Variant type: single nucleotide variant.
Coding change: c.4038+4C>T on transcript NM_021098.3 (MANE Select); 4 bases into the intron after coding-DNA position 4038, C replaced by T.
Molecular consequence: intron variant.
Genome position (GRCh38, 1-based): chr16:1,210,655, C>T. VCF-style: chr16-1210655-C-T. GRCh37 (hg19) VCF-style: chr16-1260655-C-T.
Other names: c.4038+4C>T (NM_001005407.2).
Identifiers: ClinVar variation 1397208 (VCV001397208.7), dbSNP rs1207045890, ClinGen allele CA620697132.